The following is an entry in ClinVar:

NM_014927.5(CNKSR2):c.2791A>G (p.Thr931Ala)

Gene: CNKSR2 (connector enhancer of kinase suppressor of Ras 2; plus strand). Cytogenetic location: Xp22.12.
Variant type: single nucleotide variant.
Coding change: c.2791A>G on transcript NM_014927.5 (MANE Select); coding-DNA position 2791, A replaced by G.
Protein change: p.Thr931Ala; replaces threonine 931 with alanine.
Molecular consequence: missense variant.
Genome position (GRCh38, 1-based): chrX:21,648,929, A>G. VCF-style: chrX-21648929-A-G. GRCh37 (hg19) VCF-style: chrX-21667047-A-G.
Other names: c.2701A>G, p.Thr901Ala (NM_001168647.3); c.2644A>G, p.Thr882Ala (NM_001330770.2); c.2554A>G, p.Thr852Ala (NM_001330772.2); short protein forms T852A, T882A, T901A, T931A.
Identifiers: ClinVar variation 2573767 (VCV002573767.2), dbSNP rs2519447564, ClinGen allele CA412553799.

ClinVar aggregate classification (germline): Uncertain significance (1 of 4 stars; one submission).

Submission:

GeneDx
Classification: Uncertain significance. Last evaluated: 2026-01-16. Review status: criteria provided, single submitter. Criteria: GeneDx Variant Classification Process June 2021. Collection method: clinical testing. Allele origin: germline.
Comment: Not observed at significant frequency in large population cohorts (gnomAD); In silico analysis suggests that this missense variant does not alter protein structure/function; Has not been previously published as pathogenic or benign to our knowledge